The following is an entry in ClinVar:

NM_002187.3(IL12B):c.926G>A (p.Arg309Gln)

Gene: IL12B (interleukin 12B; minus strand). Cytogenetic location: 5q33.3.
Variant type: single nucleotide variant.
Coding change: c.926G>A on transcript NM_002187.3 (MANE Select); coding-DNA position 926, G replaced by A.
Protein change: p.Arg309Gln; replaces arginine 309 with glutamine.
Molecular consequence: missense variant.
Genome position (GRCh38, 1-based): chr5:159,316,746, C>T on the plus strand (G>A on the coding strand, the complement: IL12B is on the minus strand). VCF-style: chr5-159316746-C-T. GRCh37 (hg19) VCF-style: chr5-158743754-C-T.
Other names: short protein forms R309Q.
Identifiers: ClinVar variation 1514169 (VCV001514169.8), dbSNP rs1183474762, ClinGen allele CA362029386.

ClinVar aggregate classification (germline): Uncertain significance (1 of 4 stars; one submission).

Conditions:
Mendelian susceptibility to mycobacterial diseases due to complete IL12B deficiency. Also called: IL12B DEFICIENCY; Immunodeficiency 29. Identifiers: Orphanet 319558, MedGen C4013948, MONDO:0013954, OMIM 614890.

Allele frequency attached by ClinVar (database versions not stated): gnomAD exomes 0.00001; TOPMed 0.00001; gnomAD 0.00003.
gnomAD v4.1: 20 of 1,613,978 alleles (0.0012%); highest among the groups gnomAD compares: East Asian, 0.0022%; no homozygotes.

Submission:

Labcorp Genetics (formerly Invitae), Labcorp
Classification: Uncertain significance for Mendelian susceptibility to mycobacterial diseases due to complete IL12B deficiency. Last evaluated: 2022-06-04. Review status: criteria provided, single submitter. Criteria: Invitae Variant Classification Sherloc (09022015). Collection method: clinical testing. Allele origin: germline.
Comment: This variant has not been reported in the literature in individuals affected with IL12B-related conditions. ClinVar contains an entry for this variant (Variation ID: 1514169). Algorithms developed to predict the effect of missense changes on protein structure and function output the following: SIFT: "Tolerated"; PolyPhen-2: "Benign"; Align-GVGD: "Class C0". The glutamine amino acid residue is found in multiple mammalian species, which suggests that this missense change does not adversely affect protein function. In summary, the available evidence is currently insufficient to determine the role of this variant in disease. Therefore, it has been classified as a Variant of Uncertain Significance. This variant is present in population databases (no rsID available, gnomAD 0.005%). This sequence change replaces arginine, which is basic and polar, with glutamine, which is neutral and polar, at codon 309 of the IL12B protein (p.Arg309Gln).